The following is an entry in ClinVar:

ClinVar aggregate classification (germline): Uncertain significance. Review status: criteria provided, multiple submitters, no conflicts (2 of 4 stars). 2 submissions from 2 submitters: Uncertain significance (2). Last evaluated 2023-07-31.

Conditions:
Leber congenital amaurosis 4 (LCA4). Identifiers: MedGen C1858386, MONDO:0011458, OMIM 604393.

gnomAD v4.1: 1 of 1,607,624 alleles (0.000062%); highest among the groups gnomAD compares: Non-Finnish European, 0.000085%; no homozygotes.

Submissions (2):

Blueprint Genetics
Classification: Uncertain significance. Last evaluated: 2023-07-31. Review status: criteria provided, single submitter. Criteria: ACMG Guidelines, 2015. Collection method: clinical testing. Allele origin: germline.

Labcorp Genetics (formerly Invitae), Labcorp
Classification: Uncertain significance for Leber congenital amaurosis 4. Last evaluated: 2022-08-31. Review status: criteria provided, single submitter. Criteria: Invitae Variant Classification Sherloc (09022015). Collection method: clinical testing. Allele origin: germline.
Comment: This sequence change replaces proline, which is neutral and non-polar, with arginine, which is basic and polar, at codon 295 of the AIPL1 protein (p.Pro295Arg). This variant is not present in population databases (gnomAD no frequency). This variant has not been reported in the literature in individuals affected with AIPL1-related conditions. ClinVar contains an entry for this variant (Variation ID: 1015678). Algorithms developed to predict the effect of missense changes on protein structure and function (SIFT, PolyPhen-2, Align-GVGD) all suggest that this variant is likely to be disruptive. In summary, the available evidence is currently insufficient to determine the role of this variant in disease. Therefore, it has been classified as a Variant of Uncertain Significance.

NM_014336.5(AIPL1):c.884C>G (p.Pro295Arg)

Gene: AIPL1 (AIP like 1 HSP90 co-chaperone; minus strand). Cytogenetic location: 17p13.2.
Variant type: single nucleotide variant.
Coding change: c.884C>G on transcript NM_014336.5 (MANE Select); coding-DNA position 884, C replaced by G.
Protein change: p.Pro295Arg; replaces proline 295 with arginine.
Molecular consequence: missense variant. On other transcripts: 3 prime UTR variant (1).
Genome position (GRCh38, 1-based): chr17:6,425,731, G>C on the plus strand (C>G on the coding strand, the complement: AIPL1 is on the minus strand). VCF-style: chr17-6425731-G-C. GRCh37 (hg19) VCF-style: chr17-6329051-G-C.
Other names: c.695C>G, p.Pro232Arg (NM_001033054.3); c.704C>G, p.Pro235Arg (NM_001033055.3); c.848C>G, p.Pro283Arg (NM_001285399.3); c.818C>G, p.Pro273Arg (NM_001285400.3); c.812C>G, p.Pro271Arg (NM_001285401.3); c.767C>G, p.Pro256Arg (NM_001285402.2); c.*855C>G (NM_001285403.4); short protein forms P232R, P235R, P256R, P271R, P273R, P283R, P295R.
Identifiers: ClinVar variation 1015678 (VCV001015678.8), dbSNP rs1911872542, ClinGen allele CA397394723.